The following is an entry in ClinVar:

NM_032977.4(CASP10):c.1094A>C (p.Tyr365Ser)

Gene: CASP10 (caspase 10; plus strand). Cytogenetic location: 2q33.1.
Variant type: single nucleotide variant.
Coding change: c.1094A>C on transcript NM_032977.4 (MANE Select); coding-DNA position 1094, A replaced by C.
Protein change: p.Tyr365Ser; replaces tyrosine 365 with serine.
Molecular consequence: missense variant. On other transcripts: 3 prime UTR variant (1).
Genome position (GRCh38, 1-based): chr2:201,209,241, A>C. VCF-style: chr2-201209241-A-C. GRCh37 (hg19) VCF-style: chr2-202073964-A-C.
Other names: c.893A>C, p.Tyr298Ser (NM_001206524.2); c.965A>C, p.Tyr322Ser (NM_001206542.2, NM_001230.5); c.1094A>C, p.Tyr365Ser (NM_032974.5); c.*180A>C (NM_032976.4); short protein forms Y365S, Y298S, Y322S.
Identifiers: ClinVar variation 2194716 (VCV002194716.4), dbSNP rs757027719, ClinGen allele CA350291228.

ClinVar aggregate classification (germline): Uncertain significance (1 of 4 stars; one submission).

Conditions:
Autoimmune lymphoproliferative syndrome type 2A (ALPS2A). Also called: CASP10-Related Autoimmune Lymphoproliferative Syndrome; AUTOIMMUNE LYMPHOPROLIFERATIVE SYNDROME, TYPE IIA; Autoimmune lymphoproliferative syndrome type 2. Identifiers: Orphanet 3261, MedGen C1858968, MONDO:0011383, OMIM 603909.

Allele frequency attached by ClinVar (database versions not stated): gnomAD 0.00001.
gnomAD v4.1: 14 of 1,613,506 alleles (0.00087%); highest among the groups gnomAD compares: Middle Eastern, 0.033%; 1 homozygote.

Submission:

Labcorp Genetics (formerly Invitae), Labcorp
Classification: Uncertain significance for Autoimmune lymphoproliferative syndrome type 2A. Last evaluated: 2025-05-11. Review status: criteria provided, single submitter. Criteria: Invitae Variant Classification Sherloc (09022015). Collection method: clinical testing. Allele origin: germline.
Comment: This sequence change replaces tyrosine, which is neutral and polar, with serine, which is neutral and polar, at codon 365 of the CASP10 protein (p.Tyr365Ser). This variant is present in population databases (no rsID available, gnomAD 0.009%). This variant has not been reported in the literature in individuals affected with CASP10-related conditions. ClinVar contains an entry for this variant (Variation ID: 2194716). Invitae Evidence Modeling of protein sequence and biophysical properties (such as structural, functional, and spatial information, amino acid conservation, physicochemical variation, residue mobility, and thermodynamic stability) has been performed for this missense variant. However, the output from this modeling did not meet the statistical confidence thresholds required to predict the impact of this variant on CASP10 protein function. In summary, the available evidence is currently insufficient to determine the role of this variant in disease. Therefore, it has been classified as a Variant of Uncertain Significance.